The following is an entry in ClinVar:

ClinVar aggregate classification (germline): Uncertain significance (1 of 4 stars; one submission).

Conditions:
Developmental and epileptic encephalopathy, 12 (DEE12). Identifiers: MedGen C3150988, MONDO:0013389, OMIM 613722.

Allele frequency attached by ClinVar (database versions not stated): gnomAD exomes 0.00001.
gnomAD v4.1: 15 of 1,608,160 alleles (0.00093%); highest among the groups gnomAD compares: Non-Finnish European, 0.0011%; no homozygotes.

Submission:

Labcorp Genetics (formerly Invitae), Labcorp
Classification: Uncertain significance for Developmental and epileptic encephalopathy, 12. Last evaluated: 2022-07-25. Review status: criteria provided, single submitter. Criteria: Invitae Variant Classification Sherloc (09022015). Collection method: clinical testing. Allele origin: germline.
Comment: ClinVar contains an entry for this variant (Variation ID: 1008484). Algorithms developed to predict the effect of missense changes on protein structure and function are either unavailable or do not agree on the potential impact of this missense change (SIFT: "Deleterious"; PolyPhen-2: "Possibly Damaging"; Align-GVGD: "Class C0"). In summary, the available evidence is currently insufficient to determine the role of this variant in disease. Therefore, it has been classified as a Variant of Uncertain Significance. This variant has not been reported in the literature in individuals affected with PLCB1-related conditions. This sequence change replaces glutamic acid, which is acidic and polar, with valine, which is neutral and non-polar, at codon 1114 of the PLCB1 protein (p.Glu1114Val). This variant is not present in population databases (gnomAD no frequency).

NM_015192.4(PLCB1):c.3341A>T (p.Glu1114Val)

Gene: PLCB1 (phospholipase C beta 1; plus strand). Cytogenetic location: 20p12.3.
Variant type: single nucleotide variant.
Coding change: c.3341A>T on transcript NM_015192.4 (MANE Select); coding-DNA position 3341, A replaced by T.
Protein change: p.Glu1114Val; replaces glutamic acid 1114 with valine.
Molecular consequence: missense variant.
Genome position (GRCh38, 1-based): chr20:8,790,179, A>T. VCF-style: chr20-8790179-A-T. GRCh37 (hg19) VCF-style: chr20-8770826-A-T.
Other names: c.3341A>T, p.Glu1114Val (NM_182734.3); short protein forms E1114V.
Identifiers: ClinVar variation 1008484 (VCV001008484.9), dbSNP rs1983683540, ClinGen allele CA408210014.